The following is an entry in ClinVar:

NM_018847.4(KLHL9):c.1624G>A (p.Val542Ile)

Gene: KLHL9 (kelch like family member 9; minus strand). Cytogenetic location: 9p21.3.
Variant type: single nucleotide variant.
Coding change: c.1624G>A on transcript NM_018847.4 (MANE Select); coding-DNA position 1624, G replaced by A.
Protein change: p.Val542Ile; replaces valine 542 with isoleucine.
Molecular consequence: missense variant.
Genome position (GRCh38, 1-based): chr9:21,333,236, C>T on the plus strand (G>A on the coding strand, the complement: KLHL9 is on the minus strand). VCF-style: chr9-21333236-C-T. GRCh37 (hg19) VCF-style: chr9-21333235-C-T.
Other names: short protein forms V542I.
Identifiers: ClinVar variation 1502530 (VCV001502530.8), dbSNP rs1820205925, ClinGen allele CA373067527.

ClinVar aggregate classification (germline): Uncertain significance (1 of 4 stars; one submission).

Allele frequency attached by ClinVar (database versions not stated): TOPMed below 0.00001.

Submission:

Labcorp Genetics (formerly Invitae), Labcorp
Classification: Uncertain significance. Last evaluated: 2022-06-27. Review status: criteria provided, single submitter. Criteria: Invitae Variant Classification Sherloc (09022015). Collection method: clinical testing. Allele origin: germline.
Comment: In summary, the available evidence is currently insufficient to determine the role of this variant in disease. Therefore, it has been classified as a Variant of Uncertain Significance. This sequence change replaces valine with isoleucine at codon 542 of the KLHL9 protein (p.Val542Ile). The valine residue is highly conserved and there is a small physicochemical difference between valine and isoleucine. This variant is not present in population databases (gnomAD no frequency). This variant has not been reported in the literature in individuals affected with KLHL9-related conditions. Algorithms developed to predict the effect of missense changes on protein structure and function are either unavailable or do not agree on the potential impact of this missense change (SIFT: "Not Available"; PolyPhen-2: "Possibly Damaging"; Align-GVGD: "Not Available").